The following is an entry in ClinVar:

NM_012280.4(FTSJ1):c.449G>A (p.Gly150Glu)

Gene: FTSJ1 (FtsJ RNA 2'-O-methyltransferase 1; plus strand). Cytogenetic location: Xp11.23.
Variant type: single nucleotide variant.
Coding change: c.449G>A on transcript NM_012280.4 (MANE Select); coding-DNA position 449, G replaced by A.
Protein change: p.Gly150Glu; replaces glycine 150 with glutamic acid.
Molecular consequence: missense variant.
Genome position (GRCh38, 1-based): chrX:48,481,323, G>A. VCF-style: chrX-48481323-G-A. GRCh37 (hg19) VCF-style: chrX-48339711-G-A.
Other names: c.38G>A, p.Gly13Glu (NM_001282157.2); c.449G>A, p.Gly150Glu (NM_177439.3); short protein forms G13E, G150E.
Identifiers: ClinVar variation 1703277 (VCV001703277.3), dbSNP rs2519391109, ClinGen allele CA412855854.

ClinVar aggregate classification (germline): Uncertain significance. Review status: criteria provided, multiple submitters, no conflicts (2 of 4 stars). 2 submissions from 2 submitters: Uncertain significance (2). Last evaluated 2025-12-24.

Conditions:
Intellectual developmental disorder, X-linked 9. Also called: MENTAL RETARDATION, X-LINKED 44; Intellectual disability, X-linked 9. Identifiers: Orphanet 777, MedGen C0796215, MONDO:0010660, OMIM 309549.

Submissions (2):

3billion
Classification: Uncertain significance for Intellectual developmental disorder, X-linked 9. Last evaluated: 2025-12-24. Review status: criteria provided, single submitter. Criteria: ACMG Guidelines, 2015. Collection method: clinical testing. Allele origin: germline. Affected: yes.
Comment: The variant is not observed in the gnomAD v4.1.0 dataset. Predicted Consequence/Location: Missense variant In silico tool predictions suggest damaging effect of the variant on gene or gene product [3Cnet: 0.80 (> 0.75, sensitivity 0.96 and precision 0.92)]. The variant has been reported as of uncertain significance (ClinVar ID: VCV001703277). Therefore, this variant is classified as VUS according to the recommendation of ACMG/AMP guideline.

GeneDx
Classification: Uncertain significance. Last evaluated: 2022-02-27. Review status: criteria provided, single submitter. Criteria: GeneDx Variant Classification Process June 2021. Collection method: clinical testing. Allele origin: germline. Affected: yes.
Comment: Not observed at significant frequency in large population cohorts (gnomAD); In silico analysis supports that this missense variant has a deleterious effect on protein structure/function; Has not been previously published as pathogenic or benign to our knowledge